The following is an entry in ClinVar:

ClinVar aggregate classification (germline): Likely pathogenic (1 of 4 stars; one submission).

Conditions:
Cystic fibrosis (CF). Also called: MUCOVISCIDOSIS. Identifiers: Orphanet 586, MedGen C0010674, MONDO:0009061, OMIM 219700. Disease mechanism: loss of function.

Submission:

Myriad Genetics, Inc.
Classification: Likely pathogenic for Cystic fibrosis. Last evaluated: 2022-03-15. Review status: criteria provided, single submitter. Criteria: Myriad Women's Health Autosomal Recessive and X-Linked Classification Criteria (2021). Collection method: clinical testing. Allele origin: unknown.
Comment: NM_000492.3(CFTR):c.3428T>A(L1143*) is expected to be pathogenic in the context of cystic fibrosis. This variant is predicted to lead to an abnormal or absent protein product due to the creation of a premature termination codon in CFTR, a gene where loss-of-function variants are known to be pathogenic. Please note: this variant was assessed in the context of healthy population screening.

NM_000492.4(CFTR):c.3428T>A (p.Leu1143Ter)

Genes: CFTR (CF transmembrane conductance regulator; plus strand), CFTR-AS2 (CFTR antisense RNA 2; minus strand). Cytogenetic location: 7q31.2.
Variant type: single nucleotide variant.
Coding change: c.3428T>A on transcript NM_000492.4 (MANE Select); coding-DNA position 3428, T replaced by A.
Protein change: p.Leu1143Ter; replaces leucine 1143 with a stop codon.
Molecular consequence: nonsense.
Genome position (GRCh38, 1-based): chr7:117,614,673, T>A. VCF-style: chr7-117614673-T-A. GRCh37 (hg19) VCF-style: chr7-117254727-T-A.
Other names: short protein forms L1143*.
Identifiers: ClinVar variation 1725255 (VCV001725255.2), dbSNP rs1235118844, ClinGen allele CA368993561.
Genomic context (GRCh38, chr7:117,614,673, plus strand): 5'-GAGAAGGAGAAGGAAGAGTTGGTATTATCCTGACTTTAGCCATGAATATCATGAGTACAT[T>A]GCAGTGGGCTGTAAACTCCAGCATAGATGTGGATAGCTTGGTAAGTCTTATCATCTTTTT-3'